The following is an entry in ClinVar:

NM_152703.5(SAMD9L):c.3319C>T (p.Arg1107Cys)

Gene: SAMD9L (sterile alpha motif domain containing 9 like; minus strand). Cytogenetic location: 7q21.2.
Variant type: single nucleotide variant.
Coding change: c.3319C>T on transcript NM_152703.5 (MANE Select); coding-DNA position 3319, C replaced by T.
Protein change: p.Arg1107Cys; replaces arginine 1107 with cysteine.
Molecular consequence: missense variant.
Genome position (GRCh38, 1-based): chr7:93,132,653, G>A on the plus strand (C>T on the coding strand, the complement: SAMD9L is on the minus strand). VCF-style: chr7-93132653-G-A. GRCh37 (hg19) VCF-style: chr7-92761966-G-A.
Other names: c.3319C>T (NM_152703.2, NM_152703.3); c.3319C>T, p.Arg1107Cys (NM_001303496.3, NM_001303497.3, NM_001303498.3 and 5 more transcripts); short protein forms R1107C.
Identifiers: ClinVar variation 1521977 (VCV001521977.7), dbSNP rs759109631, ClinGen allele CA4343468.

ClinVar aggregate classification (germline): Uncertain significance. Review status: criteria provided, multiple submitters, no conflicts (2 of 4 stars). 3 submissions from 3 submitters: Uncertain significance (3). Last evaluated 2025-12-18.

Conditions:
Inborn genetic diseases. Identifiers: MedGen C0950123, MeSH D030342.

Allele frequency attached by ClinVar (database versions not stated): ExAC 0.00002; gnomAD 0.00002; gnomAD exomes 0.00002; TOPMed 0.00003.
gnomAD v4.1: 48 of 1,613,646 alleles (0.003%); highest among the groups gnomAD compares: Non-Finnish European, 0.0036%; no homozygotes.

Submissions (3):

Labcorp Genetics (formerly Invitae), Labcorp
Classification: Uncertain significance. Last evaluated: 2025-12-18. Review status: criteria provided, single submitter. Criteria: Invitae Variant Classification Sherloc (09022015). Collection method: clinical testing. Allele origin: germline.
Comment: This sequence change replaces arginine, which is basic and polar, with cysteine, which is neutral and slightly polar, at codon 1107 of the SAMD9L protein (p.Arg1107Cys). This variant is present in population databases (rs759109631, gnomAD 0.005%). This variant has not been reported in the literature in individuals affected with SAMD9L-related conditions. ClinVar contains an entry for this variant (Variation ID: 1521977). Invitae Evidence Modeling of protein sequence and biophysical properties (such as structural, functional, and spatial information, amino acid conservation, physicochemical variation, residue mobility, and thermodynamic stability) indicates that this missense variant is not expected to disrupt SAMD9L protein function with a negative predictive value of 80%. In summary, the available evidence is currently insufficient to determine the role of this variant in disease. Therefore, it has been classified as a Variant of Uncertain Significance.

Ambry Genetics
Classification: Uncertain significance for Inborn genetic diseases. Last evaluated: 2025-05-25. Review status: criteria provided, single submitter. Criteria: Ambry Variant Classification Scheme 2023. Collection method: clinical testing. Allele origin: germline.

GeneDx
Classification: Uncertain significance. Last evaluated: 2023-06-28. Review status: criteria provided, single submitter. Criteria: GeneDx Variant Classification Process June 2021. Collection method: clinical testing. Allele origin: germline. Affected: yes.
Comment: In silico analysis supports that this missense variant has a deleterious effect on protein structure/function; Has not been previously published as pathogenic or benign to our knowledge; This variant is associated with the following publications: (PMID: 28545555)